The following is an entry in ClinVar:

ClinVar aggregate classification (germline): Uncertain significance (1 of 4 stars; one submission).

gnomAD v4.1: 1 of 1,614,020 alleles (0.000062%); highest among the groups gnomAD compares: Non-Finnish European, 0.000085%; no homozygotes.

Submission:

Labcorp Genetics (formerly Invitae), Labcorp
Classification: Uncertain significance. Last evaluated: 2022-08-31. Review status: criteria provided, single submitter. Criteria: Invitae Variant Classification Sherloc (09022015). Collection method: clinical testing. Allele origin: germline.
Comment: This sequence change replaces aspartic acid, which is acidic and polar, with histidine, which is basic and polar, at codon 1388 of the CLTC protein (p.Asp1388His). This variant is not present in population databases (gnomAD no frequency). This variant has not been reported in the literature in individuals affected with CLTC-related conditions. Algorithms developed to predict the effect of missense changes on protein structure and function are either unavailable or do not agree on the potential impact of this missense change (SIFT: "Deleterious"; PolyPhen-2: "Not Available"; Align-GVGD: "Class C0"). In summary, the available evidence is currently insufficient to determine the role of this variant in disease. Therefore, it has been classified as a Variant of Uncertain Significance.

NM_004859.4(CLTC):c.4150G>C (p.Asp1384His)

Genes: CLTC (clathrin heavy chain; plus strand), LOC126862609 (CDK7 strongly-dependent group 2 enhancer GRCh37_chr17:57760547-57761746; plus strand). Cytogenetic location: 17q23.1.
Variant type: single nucleotide variant.
Coding change: c.4150G>C on transcript NM_004859.4 (MANE Select); coding-DNA position 4150, G replaced by C.
Protein change: p.Asp1384His; replaces aspartic acid 1384 with histidine.
Molecular consequence: missense variant.
Genome position (GRCh38, 1-based): chr17:59,683,495, G>C. VCF-style: chr17-59683495-G-C. GRCh37 (hg19) VCF-style: chr17-57760856-G-C.
Other names: c.4162G>C, p.Asp1388His (NM_001288653.2); short protein forms D1388H, D1384H.
Identifiers: ClinVar variation 2118166 (VCV002118166.4), dbSNP rs2033118782, ClinGen allele CA400420699.